The following is an entry in ClinVar:

ClinVar aggregate classification (germline): Likely benign. Review status: criteria provided, multiple submitters, no conflicts (2 of 4 stars). 2 submissions from 2 submitters: Likely benign (2). Last evaluated 2023-03-01.

Conditions:
Mowat-Wilson syndrome (MOWS). Also called: Classic Mowat-Wilson Syndrome. Identifiers: Orphanet 2152, MedGen C1856113, MONDO:0009341, OMIM 235730.

Allele frequency attached by ClinVar (database versions not stated): gnomAD exomes below 0.00001; TOPMed below 0.00001.
gnomAD v4.1: 5 of 1,614,146 alleles (0.00031%); highest among the groups gnomAD compares: Non-Finnish European, 0.00042%; no homozygotes.

Submissions (2):

Labcorp Genetics (formerly Invitae), Labcorp
Classification: Likely benign for Mowat-Wilson syndrome. Last evaluated: 2023-03-01. Review status: criteria provided, single submitter. Criteria: Invitae Variant Classification Sherloc (09022015). Collection method: clinical testing. Allele origin: germline.

GeneDx
Classification: Likely benign. Last evaluated: 2018-03-21. Review status: criteria provided, single submitter. Criteria: GeneDx Variant Classification (06012015). Collection method: clinical testing. Allele origin: germline. Affected: yes.
Comment: This variant is considered likely benign or benign based on one or more of the following criteria: it is a conservative change, it occurs at a poorly conserved position in the protein, it is predicted to be benign by multiple in silico algorithms, and/or has population frequency not consistent with disease.

NM_014795.4(ZEB2):c.2120C>T (p.Ser707Phe)

Gene: ZEB2 (zinc finger E-box binding homeobox 2; minus strand). Cytogenetic location: 2q22.3.
Variant type: single nucleotide variant.
Coding change: c.2120C>T on transcript NM_014795.4 (MANE Select); coding-DNA position 2120, C replaced by T.
Protein change: p.Ser707Phe; replaces serine 707 with phenylalanine.
Molecular consequence: missense variant.
Genome position (GRCh38, 1-based): chr2:144,399,067, G>A on the plus strand (C>T on the coding strand, the complement: ZEB2 is on the minus strand). VCF-style: chr2-144399067-G-A. GRCh37 (hg19) VCF-style: chr2-145156634-G-A.
Other names: c.2048C>T, p.Ser683Phe (NM_001171653.2); short protein forms S707F, S683F.
Identifiers: ClinVar variation 534645 (VCV000534645.9), dbSNP rs1174325176, ClinGen allele CA348708987.